The following is an entry in ClinVar:

ClinVar aggregate classification (germline): Likely benign. Review status: criteria provided, multiple submitters, no conflicts (2 of 4 stars). 2 submissions from 2 submitters: Likely benign (2). Last evaluated 2025-04-21.

Conditions:
Creatine transporter deficiency (CCDS1). Also called: Mental retardation , X-linked with seizures, short stature and midface hypoplasia; Mental retardation , X-linked, with creatine transport deficiency; X-linked creatine transporter deficiency; X-linked creatine deficiency syndrome; SLC6A8-Related Creatine Transporter Deficiency; CREATINE TRANSPORTER DEFECT. Identifiers: Orphanet 52503, MedGen C1845862, MONDO:0010305, OMIM 300352.

Allele frequency attached by ClinVar (database versions not stated): gnomAD 0.00001; TOPMed 0.00005.
gnomAD v4.1: 1 of 1,209,668 alleles (0.000083%); highest among the groups gnomAD compares: Admixed American, 0.0022%; no homozygotes.

Submissions (2):

Mayo Clinic Laboratories, Mayo Clinic
Classification: Likely benign. Last evaluated: 2025-04-21. Review status: criteria provided, single submitter. Criteria: ACMG Guidelines, 2015. Collection method: clinical testing. Allele origin: germline. Observed: 1 variant allele.
Comment: BP4, BP7

Labcorp Genetics (formerly Invitae), Labcorp
Classification: Likely benign for Creatine transporter deficiency. Last evaluated: 2024-07-03. Review status: criteria provided, single submitter. Criteria: Invitae Variant Classification Sherloc (09022015). Collection method: clinical testing. Allele origin: germline.

NM_005629.4(SLC6A8):c.894A>G (p.Ser298=)

Gene: SLC6A8 (solute carrier family 6 member 8; plus strand). Cytogenetic location: Xq28.
Variant type: single nucleotide variant.
Coding change: c.894A>G on transcript NM_005629.4 (MANE Select); coding-DNA position 894, A replaced by G.
Protein change: p.Ser298=; no amino-acid change (serine 298 retained).
Molecular consequence: synonymous variant.
Genome position (GRCh38, 1-based): chrX:153,693,157, A>G. VCF-style: chrX-153693157-A-G. GRCh37 (hg19) VCF-style: chrX-152958612-A-G.
Other names: p.Ser298=; c.894A>G, p.Ser298= (NM_001142805.2); c.549A>G, p.Ser183= (NM_001142806.1).
Identifiers: ClinVar variation 2897097 (VCV002897097.4), dbSNP rs2091466427, ClinGen allele CA415084193.
Genomic context (GRCh38, chrX:153,693,157, plus strand): 5'-TGGAGTGCTGCTGCCTGGCGCCCTGGATGGCATCATTTACTATCTCAAGCCTGACTGGTC[A>G]AAGCTGGGGTCCCCTCAGGTGAGGTGGAGGTGGAGAGGCTGCAGCAGGGCGCTGCGGGGG-3'
Protein context (NP_005620.1, residues 288-308): GIIYYLKPDW[Ser298=]KLGSPQVWID